The following is an entry in ClinVar:

ClinVar aggregate classification (germline): Uncertain significance (1 of 4 stars; one submission).

Conditions:
Charcot-Marie-Tooth disease type 2. Also called: Charcot-Marie-Tooth type 2. Identifiers: Orphanet 64746, MedGen C0270914, MONDO:0018993.

Submission:

Labcorp Genetics (formerly Invitae), Labcorp
Classification: Uncertain significance for Charcot-Marie-Tooth disease type 2. Last evaluated: 2024-02-20. Review status: criteria provided, single submitter. Criteria: Invitae Variant Classification Sherloc (09022015). Collection method: clinical testing. Allele origin: germline.
Comment: This sequence change replaces leucine, which is neutral and non-polar, with arginine, which is basic and polar, at codon 644 of the MFN2 protein (p.Leu644Arg). This variant is not present in population databases (gnomAD no frequency). This variant has not been reported in the literature in individuals affected with MFN2-related conditions. Advanced modeling of protein sequence and biophysical properties (such as structural, functional, and spatial information, amino acid conservation, physicochemical variation, residue mobility, and thermodynamic stability) performed at Invitae indicates that this missense variant is expected to disrupt MFN2 protein function with a positive predictive value of 95%. In summary, the available evidence is currently insufficient to determine the role of this variant in disease. Therefore, it has been classified as a Variant of Uncertain Significance.

NM_014874.4(MFN2):c.1931T>G (p.Leu644Arg)

Gene: MFN2 (mitofusin 2; plus strand). Cytogenetic location: 1p36.22.
Variant type: single nucleotide variant.
Coding change: c.1931T>G on transcript NM_014874.4 (MANE Select); coding-DNA position 1931, T replaced by G.
Protein change: p.Leu644Arg; replaces leucine 644 with arginine.
Molecular consequence: missense variant.
Genome position (GRCh38, 1-based): chr1:12,007,111, T>G. VCF-style: chr1-12007111-T-G. GRCh37 (hg19) VCF-style: chr1-12067168-T-G.
Other names: c.1931T>G, p.Leu644Arg (NM_001127660.2); short protein forms L644R.
Identifiers: ClinVar variation 3642238 (VCV003642238.2).